The following is an entry in ClinVar:

NM_133259.4(LRPPRC):c.1517T>C (p.Met506Thr)

Gene: LRPPRC (leucine rich pentatricopeptide repeat containing; minus strand). Cytogenetic location: 2p21.
Variant type: single nucleotide variant.
Coding change: c.1517T>C on transcript NM_133259.4 (MANE Select); coding-DNA position 1517, T replaced by C.
Protein change: p.Met506Thr; replaces methionine 506 with threonine.
Molecular consequence: missense variant.
Genome position (GRCh38, 1-based): chr2:43,960,606, A>G on the plus strand (T>C on the coding strand, the complement: LRPPRC is on the minus strand). VCF-style: chr2-43960606-A-G. GRCh37 (hg19) VCF-style: chr2-44187745-A-G.
Other names: short protein forms M506T.
Identifiers: ClinVar variation 2630347 (VCV002630347.1), dbSNP rs760582352, ClinGen allele CA1638931.

ClinVar aggregate classification (germline): Uncertain significance (1 of 4 stars; one submission).

Conditions:
LRPPRC-related disorder. Also called: LRPPRC-related condition.

Allele frequency attached by ClinVar (database versions not stated): gnomAD exomes below 0.00001; ExAC 0.00001; gnomAD 0.00001.
gnomAD v4.1: 9 of 1,600,460 alleles (0.00056%); highest among the groups gnomAD compares: East Asian, 0.0022%; no homozygotes.

Submission:

PreventionGenetics, part of Exact Sciences
Classification: Uncertain significance for LRPPRC-related condition. Last evaluated: 2023-08-21. Review status: criteria provided, single submitter. Criteria: ACMG Guidelines, 2015. Collection method: clinical testing. Allele origin: germline.
Comment: The LRPPRC c.1517T>C variant is predicted to result in the amino acid substitution p.Met506Thr. To our knowledge, this variant has not been reported in the literature. This variant is reported in 0.010% of alleles in individuals of East Asian descent in gnomAD. At this time, the clinical significance of this variant is uncertain due to the absence of conclusive functional and genetic evidence.